The following is an entry in ClinVar:

NM_170606.3(KMT2C):c.7170C>G (p.Ile2390Met)

Gene: KMT2C (lysine methyltransferase 2C; minus strand). Cytogenetic location: 7q36.1.
Variant type: single nucleotide variant.
Coding change: c.7170C>G on transcript NM_170606.3 (MANE Select); coding-DNA position 7170, C replaced by G.
Protein change: p.Ile2390Met; replaces isoleucine 2390 with methionine.
Molecular consequence: missense variant.
Genome position (GRCh38, 1-based): chr7:152,180,106, G>C on the plus strand (C>G on the coding strand, the complement: KMT2C is on the minus strand). VCF-style: chr7-152180106-G-C. GRCh37 (hg19) VCF-style: chr7-151877191-G-C.
Other names: short protein forms I2390M.
Identifiers: ClinVar variation 1806319 (VCV001806319.1), dbSNP rs901284997, ClinGen allele CA169208893.

ClinVar aggregate classification (germline): Uncertain significance (1 of 4 stars; one submission).

Conditions:
Kleefstra syndrome 2 (KLEFS2). Identifiers: MedGen C4540395, MONDO:0054701, OMIM 617768.

Allele frequency attached by ClinVar (database versions not stated): gnomAD 0.00001.
gnomAD v4.1: 2 of 1,613,992 alleles (0.00012%); highest among the groups gnomAD compares: Admixed American, 0.0017%; no homozygotes.

Submission:

Victorian Clinical Genetics Services, Murdoch Childrens Research Institute
Classification: Uncertain significance for Kleefstra syndrome 2. Last evaluated: 2020-05-21. Review status: criteria provided, single submitter. Criteria: ACMG Guidelines, 2015. Collection method: clinical testing. Allele origin: germline. Inheritance: Autosomal dominant inheritance.
Comment: A heterozygous missense variant was identified, NM_170606.2(KMT2C):c.7170C>G in exon 37 of 59 of the KMT2C gene. This substitution is predicted to create a minor amino acid change from isoleucine to methionine at position 2390 of the protein, NP_733751.2(KMT2C):p.(Ile2390Met). The isoleucine at this position has moderate conservation (100 vertebrates, UCSC), but is not situated in a known functional domain. In silico software predictions of the pathogenicity of this variant are conflicting (Polyphen, SIFT, CADD, Mutation Taster). The variant is not present in the gnomAD population database and has not been previously reported in clinical cases. Based on information available at the time of curation, this variant has been classified as a VARIANT of UNCERTAIN SIGNIFICANCE (VUS).